The following is an entry in ClinVar:

NM_021615.5(CHST6):c.1096G>A (p.Glu366Lys)

Gene: CHST6 (carbohydrate sulfotransferase 6; minus strand). Cytogenetic location: 16q23.1.
Variant type: single nucleotide variant.
Coding change: c.1096G>A on transcript NM_021615.5 (MANE Select); coding-DNA position 1096, G replaced by A.
Protein change: p.Glu366Lys; replaces glutamic acid 366 with lysine.
Molecular consequence: missense variant.
Genome position (GRCh38, 1-based): chr16:75,478,733, C>T on the plus strand (G>A on the coding strand, the complement: CHST6 is on the minus strand). VCF-style: chr16-75478733-C-T. GRCh37 (hg19) VCF-style: chr16-75512631-C-T.
Other names: short protein forms E366K.
Identifiers: ClinVar variation 938507 (VCV000938507.8), dbSNP rs369592422, ClinGen allele CA8175291.

ClinVar aggregate classification (germline): Uncertain significance (1 of 4 stars; one submission).

Conditions:
Macular corneal dystrophy (MCD). Also called: Macular corneal dystrophy Type I; GROENOUW TYPE II CORNEAL DYSTROPHY. Identifiers: Orphanet 98969, MedGen C1636149, MONDO:0009020, OMIM 217800.

Allele frequency attached by ClinVar (database versions not stated): ExAC 0.00001; TOPMed 0.00002; ESP Exome Variant Server 0.00008.
gnomAD v4.1: 59 of 1,613,422 alleles (0.0037%); highest among the groups gnomAD compares: Non-Finnish European, 0.0048%; 1 homozygote.

Submission:

Labcorp Genetics (formerly Invitae), Labcorp
Classification: Uncertain significance for Macular corneal dystrophy. Last evaluated: 2021-05-14. Review status: criteria provided, single submitter. Criteria: Invitae Variant Classification Sherloc (09022015). Collection method: clinical testing. Allele origin: germline.
Comment: Algorithms developed to predict the effect of missense changes on protein structure and function are either unavailable or do not agree on the potential impact of this missense change (SIFT: "Deleterious"; PolyPhen-2: "Benign"; Align-GVGD: "Class C0"). In summary, the available evidence is currently insufficient to determine the role of this variant in disease. Therefore, it has been classified as a Variant of Uncertain Significance. This sequence change replaces glutamic acid with lysine at codon 366 of the CHST6 protein (p.Glu366Lys). The glutamic acid residue is highly conserved and there is a small physicochemical difference between glutamic acid and lysine. This variant is present in population databases (rs369592422, ExAC 0.002%). This variant has not been reported in the literature in individuals with CHST6-related conditions.